The following is an entry in ClinVar:

NM_020911.2(PLXNA4):c.3946G>A (p.Asp1316Asn)

Gene: PLXNA4 (plexin A4; minus strand). Cytogenetic location: 7q32.3.
Variant type: single nucleotide variant.
Coding change: c.3946G>A on transcript NM_020911.2 (MANE Select); coding-DNA position 3946, G replaced by A.
Protein change: p.Asp1316Asn; replaces aspartic acid 1316 with asparagine.
Molecular consequence: missense variant.
Genome position (GRCh38, 1-based): chr7:132,174,849, C>T on the plus strand (G>A on the coding strand, the complement: PLXNA4 is on the minus strand). VCF-style: chr7-132174849-C-T. GRCh37 (hg19) VCF-style: chr7-131859608-C-T.
Other names: c.3946G>A, p.Asp1316Asn (NM_001393897.1); short protein forms D1316N.
Identifiers: ClinVar variation 4983585 (VCV004983585.1).
Genomic context (GRCh38, chr7:132,174,849, plus strand): 5'-GGAGGACAGGGTGGTCTTCAATTCCTGGGAACAGCACCCGCATGGTGTAAGTTCTATAGT[C>T]CAGGAACGGAATCCCGGCTCCATCCAGGTCACTGGTCAGCTCATGGATGTCCGTCTGCAG-3'
Protein context (NP_065962.1, residues 1306-1326): DLDGAGIPFL[Asp1316Asn]YRTYTMRVLF

ClinVar aggregate classification (germline): Uncertain significance (1 of 4 stars; one submission).

Conditions:
PLXNA4-related disorder. Also called: PLXNA4-related condition.

gnomAD v4.1: 3 of 1,614,078 alleles (0.00019%); highest among the groups gnomAD compares: Admixed American, 0.0033%; no homozygotes.

Submission:

PreventionGenetics, part of Exact Sciences
Classification: Uncertain significance for PLXNA4-related condition. Last evaluated: 2025-09-30. Review status: criteria provided, single submitter. Criteria: ACMG Guidelines, 2015. Collection method: clinical testing. Allele origin: germline.
Comment: The PLXNA4 c.3946G>A variant is predicted to result in the amino acid substitution p.Asp1316Asn. To our knowledge, this variant has not been reported in the literature. This variant is reported in 0.0058% of alleles in individuals of Latino descent in gnomAD. At this time, the clinical significance of this variant is uncertain due to the absence of conclusive functional and genetic evidence.